The following is an entry in ClinVar:

ClinVar aggregate classification (germline): Pathogenic (1 of 4 stars; one submission).

Conditions:
Hereditary spastic paraplegia 4. Also called: Spastic paraplegia 4, autosomal dominant; Spastic Paraplegia 4; Familial spastic paraplegia autosomal dominant 2. Identifiers: Orphanet 100985, MedGen C1866855, MONDO:0008438, OMIM 182601.

Submission:

Labcorp Genetics (formerly Invitae), Labcorp
Classification: Pathogenic for Hereditary spastic paraplegia 4. Last evaluated: 2024-06-11. Review status: criteria provided, single submitter. Criteria: Invitae Variant Classification Sherloc (09022015). Collection method: clinical testing. Allele origin: germline.
Comment: This sequence change creates a premature translational stop signal (p.Ala551Glyfs*18) in the SPAST gene. While this is not anticipated to result in nonsense mediated decay, it is expected to disrupt the last 66 amino acid(s) of the SPAST protein. This variant is not present in population databases (gnomAD no frequency). This variant has not been reported in the literature in individuals affected with SPAST-related conditions. This variant disrupts a region of the SPAST protein in which other variant(s) (p.Thr615Ile) have been determined to be pathogenic (PMID: 12124993). This suggests that this is a clinically significant region of the protein, and that variants that disrupt it are likely to be disease-causing. For these reasons, this variant has been classified as Pathogenic.

Literature cited by the submitters: PubMed 12124993.

NM_014946.4(SPAST):c.1650_1672del (p.Ala551fs)

Gene: SPAST (spastin; plus strand). Cytogenetic location: 2p22.3.
Variant type: Deletion.
Coding change: c.1650_1672del on transcript NM_014946.4 (MANE Select); coding-DNA positions 1650 to 1672, 23 bases deleted (AGCTTTGGCAAAAGATGCAGCAC).
Protein change: p.Ala551fs; shifts the reading frame from alanine 551.
Molecular consequence: frameshift variant. On other transcripts: intron variant (1).
Genome position (GRCh38, 1-based): chr2:32,144,970-32,144,992, AGCTTTGGCAAAAGATGCAGCAC deleted; deleting any 23 consecutive bases within chr2:32,144,968-32,144,992 gives the same sequence; the c. name uses the placement nearest the transcript's 3' end. VCF-style (leftmost placement, unchanged base first): chr2-32144967-AACAGCTTTGGCAAAAGATGCAGC-A. GRCh37 (hg19) VCF-style: chr2-32370036-AACAGCTTTGGCAAAAGATGCAGC-A.
Other names: c.1647_1669del, p.Ala550fs (NM_001363823.2); c.1551_1573del, p.Ala518fs (NM_001363875.2); c.1554_1576del, p.Ala519fs (NM_199436.2); c.1520+1555_1520+1577del (NM_001377959.1); short protein forms A518fs, A519fs, A550fs, A551fs.
Identifiers: ClinVar variation 3656201 (VCV003656201.2).